The following is an entry in ClinVar:

ClinVar aggregate classification (germline): Uncertain significance (1 of 4 stars; one submission).

Submission:

Labcorp Genetics (formerly Invitae), Labcorp
Classification: Uncertain significance. Last evaluated: 2025-06-27. Review status: criteria provided, single submitter. Criteria: Invitae Variant Classification Sherloc (09022015). Collection method: clinical testing. Allele origin: germline.
Comment: This sequence change replaces glutamic acid, which is acidic and polar, with glycine, which is neutral and non-polar, at codon 1066 of the CACNA1E protein (p.Glu1066Gly). This variant is not present in population databases (gnomAD no frequency). This variant has not been reported in the literature in individuals affected with CACNA1E-related conditions. Invitae Evidence Modeling of protein sequence and biophysical properties (such as structural, functional, and spatial information, amino acid conservation, physicochemical variation, residue mobility, and thermodynamic stability) has been performed for this missense variant. However, the output from this modeling did not meet the statistical confidence thresholds required to predict the impact of this variant on CACNA1E protein function. In summary, the available evidence is currently insufficient to determine the role of this variant in disease. Therefore, it has been classified as a Variant of Uncertain Significance.

NM_001205293.3(CACNA1E):c.3197A>G (p.Glu1066Gly)

Gene: CACNA1E (calcium voltage-gated channel subunit alpha1 E; plus strand). Cytogenetic location: 1q25.3.
Variant type: single nucleotide variant.
Coding change: c.3197A>G on transcript NM_001205293.3 (MANE Select); coding-DNA position 3197, A replaced by G.
Protein change: p.Glu1066Gly; replaces glutamic acid 1066 with glycine.
Molecular consequence: missense variant.
Genome position (GRCh38, 1-based): chr1:181,733,685, A>G. VCF-style: chr1-181733685-A-G. GRCh37 (hg19) VCF-style: chr1-181702821-A-G.
Other names: c.3197A>G, p.Glu1066Gly (NM_000721.4); c.3140A>G, p.Glu1047Gly (NM_001205294.2); short protein forms E1047G, E1066G.
Identifiers: ClinVar variation 4799994 (VCV004799994.1).